The following is an entry in ClinVar:

ClinVar aggregate classification (germline): Likely pathogenic (1 of 4 stars; one submission).

Conditions:
Hereditary cancer-predisposing syndrome. Also called: Neoplastic Syndromes, Hereditary; Tumor predisposition; Hereditary Cancer Syndrome; Hereditary neoplastic syndrome. Identifiers: Orphanet 140162, MedGen C0027672, MeSH D009386, MONDO:0015356.

Submission:

Ambry Genetics
Classification: Likely pathogenic for Hereditary cancer-predisposing syndrome. Last evaluated: 2022-01-07. Review status: criteria provided, single submitter. Criteria: Ambry Variant Classification Scheme 2023. Collection method: clinical testing. Allele origin: germline.
Comment: The p.Y2645* variant (also known as c.7935T>A), located in coding exon 15 of the APC gene, results from a T to A substitution at nucleotide position 7935. This changes the amino acid from a tyrosine to a stop codon within coding exon 15. This alteration occurs near the 3' terminus of theAPC gene, is not expected to trigger nonsense-mediated mRNA decay, and impacts the last 199 amino acids of the protein. However, premature stop codons are typically deleterious in nature and the impacted region is critical for protein function and a significant portion of the protein is affected (Ambry internal data). This variant is considered to be rare based on population cohorts in the Genome Aggregation Database (gnomAD). Based on the majority of available evidence to date, this variant is likely to be pathogenic.

NM_000038.6(APC):c.7935T>A (p.Tyr2645Ter)

Gene: APC (APC regulator of Wnt signaling pathway; plus strand). Cytogenetic location: 5q22.2.
Variant type: single nucleotide variant.
Coding change: c.7935T>A on transcript NM_000038.6 (MANE Select); coding-DNA position 7935, T replaced by A.
Protein change: p.Tyr2645Ter; replaces tyrosine 2645 with a stop codon.
Molecular consequence: nonsense.
Genome position (GRCh38, 1-based): chr5:112,843,529, T>A. VCF-style: chr5-112843529-T-A. GRCh37 (hg19) VCF-style: chr5-112179226-T-A.
Other names: c.7935T>A, p.Tyr2645Ter (NM_001127510.3, NM_001354895.2, NM_001407450.1); c.7881T>A, p.Tyr2627Ter (NM_001127511.3); c.7989T>A, p.Tyr2663Ter (NM_001354896.2, NM_001407447.1, NM_001407448.1 and 1 more transcripts); c.7965T>A, p.Tyr2655Ter (NM_001354897.2); c.7860T>A, p.Tyr2620Ter (NM_001354898.2); c.7851T>A, p.Tyr2617Ter (NM_001354899.2); c.7812T>A, p.Tyr2604Ter (NM_001354900.2); c.7758T>A, p.Tyr2586Ter (NM_001354901.2, NM_001407453.1); and 11 more; short protein forms Y2362*, Y2604*, Y2617*, Y2663*, Y2544*, Y2485*, Y2516*, Y2554*.
Identifiers: ClinVar variation 1761299 (VCV001761299.3), dbSNP rs2149996574, ClinGen allele CA16038561.